The following is an entry in ClinVar:

NM_000238.4(KCNH2):c.1911G>C (p.Glu637Asp)

Gene: KCNH2 (potassium voltage-gated channel subfamily H member 2; minus strand). Cytogenetic location: 7q36.1.
Variant type: single nucleotide variant.
Coding change: c.1911G>C on transcript NM_000238.4 (MANE Select); coding-DNA position 1911, G replaced by C.
Protein change: p.Glu637Asp; replaces glutamic acid 637 with aspartic acid.
Molecular consequence: missense variant.
Genome position (GRCh38, 1-based): chr7:150,951,482, C>G on the plus strand (G>C on the coding strand, the complement: KCNH2 is on the minus strand). VCF-style: chr7-150951482-C-G. GRCh37 (hg19) VCF-style: chr7-150648570-C-G.
Other names: c.1911G>C (LRG_288t1); c.891G>C, p.Glu297Asp (NM_001204798.2, NM_172057.3); c.1623G>C, p.Glu541Asp (NM_001406753.1, NM_001406756.1); c.1734G>C, p.Glu578Asp (NM_001406755.1); c.1611G>C, p.Glu537Asp (NM_001406757.1); c.1911G>C, p.Glu637Asp (NM_172056.3); short protein forms E297D, E637D, E578D, E537D, E541D.
Identifiers: ClinVar variation 67331 (VCV000067331.9), dbSNP rs199472966, ClinGen allele CA005970.

ClinVar aggregate classification (germline): Conflicting classifications of pathogenicity. Review status: criteria provided, conflicting classifications (1 of 4 stars). 3 submissions from 3 submitters: Likely pathogenic (1); Uncertain significance (1). 1 of the submissions does not count toward it. Last evaluated 2022-07-13.

Conditions:
Cardiovascular phenotype. Identifiers: MedGen CN230736.
Familial long QT syndrome (RWS). Also called: Congenital long QT syndrome; Romano-Ward syndrome; VENTRICULAR FIBRILLATION WITH PROLONGED QT INTERVAL. Identifiers: Orphanet 768, MedGen C1141890, MONDO:0019171.
Long QT syndrome (LQTS). Identifiers: MedGen C0023976, MeSH D008133, MONDO:0002442. Disease mechanism: loss of function. Inheritance: Various modes of inheritance.

Submissions (3):

Labcorp Genetics (formerly Invitae), Labcorp
Classification: Uncertain significance for Long QT syndrome. Last evaluated: 2022-07-13. Review status: criteria provided, single submitter. Criteria: Invitae Variant Classification Sherloc (09022015). Collection method: clinical testing. Allele origin: germline.
Comment: This sequence change replaces glutamic acid, which is acidic and polar, with aspartic acid, which is acidic and polar, at codon 637 of the KCNH2 protein (p.Glu637Asp). This variant is not present in population databases (gnomAD no frequency). This missense change has been observed in individual(s) with Long QT Syndrome (PMID: 16414944, 19716085). ClinVar contains an entry for this variant (Variation ID: 67331). Algorithms developed to predict the effect of missense changes on protein structure and function are either unavailable or do not agree on the potential impact of this missense change (SIFT: "Tolerated"; PolyPhen-2: "Probably Damaging"; Align-GVGD: "Class C0"). Experimental studies have shown that this missense change affects KCNH2 function (PMID: 16414944). This variant disrupts the p.Glu637 amino acid residue in KCNH2. Other variant(s) that disrupt this residue have been determined to be pathogenic (PMID: 12062363, 21109023, 21216356, 23022675, 25417810). This suggests that this residue is clinically significant, and that variants that disrupt this residue are likely to be disease-causing. In summary, the available evidence is currently insufficient to determine the role of this variant in disease. Therefore, it has been classified as a Variant of Uncertain Significance.

Ambry Genetics
Classification: Likely pathogenic for Cardiovascular phenotype. Last evaluated: 2018-09-14. Review status: criteria provided, single submitter. Criteria: Ambry Variant Classification Scheme 2023. Collection method: clinical testing. Allele origin: germline.
Comment: The p.E637D variant (also known as c.1911G>C), located in coding exon 7 of the KCNH2 gene, results from a G to C substitution at nucleotide position 1911. The glutamic acid at codon 637 is replaced by aspartic acid, an amino acid with highly similar properties. This alteration has been reported in two long QT syndrome clinical genetic testing cohorts; however, clinical details were limited (Napolitano C et al. JAMA, 2005 Dec;294:2975-80; Kapplinger JD et al. Heart Rhythm, 2009 Sep;6:1297-303). One functional study indicated that this alteration causes a dominant negative trafficking defect (Anderson CL et al. Nat Commun, 2014 Nov;5:5535). Based on internal structural analysis, this variant is anticipated to result in a significant decrease in structural stability (Wang W et al. Cell, 2017 Apr;169:422-430.e10; Ambry internal data). This amino acid position is highly conserved in available vertebrate species. In addition, this alteration is predicted to be deleterious by in silico analysis. Based on the majority of available evidence to date, this variant is likely to be pathogenic.

Cardiovascular Biomedical Research Unit, Royal Brompton & Harefield NHS Foundation Trust
No classification provided. Condition: Familial long QT syndrome. Review status: no classification provided. Collection method: literature only. Allele origin: germline. Not counted in ClinVar's aggregate classification.
Comment: This variant has been reported as associated with Long QT syndrome in the following publications (PMID:16414944;PMID:19716085). This is a literature report, and does not necessarily reflect the clinical interpretation of the Imperial College / Royal Brompton Cardiovascular Genetics laboratory.

Literature cited by the submitters: PubMed 16414944 (cited by 3 submitters); PubMed 19716085 (cited by 3 submitters); PubMed 12062363 (cited by Labcorp Genetics (formerly Invitae), Labcorp); PubMed 21109023 (cited by Labcorp Genetics (formerly Invitae), Labcorp); PubMed 21216356 (cited by Labcorp Genetics (formerly Invitae), Labcorp); PubMed 23022675 (cited by Labcorp Genetics (formerly Invitae), Labcorp); PubMed 25417810 (cited by Labcorp Genetics (formerly Invitae), Labcorp and Ambry Genetics); PubMed 28431243 (cited by Ambry Genetics); PubMed 22581653 (cited by Cardiovascular Biomedical Research Unit, Royal Brompton & Harefield NHS Foundation Trust).